The following is an entry in ClinVar:

NM_000179.3(MSH6):c.3586G>A (p.Glu1196Lys)

Gene: MSH6 (mutS homolog 6; plus strand). Cytogenetic location: 2p16.3.
Variant type: single nucleotide variant.
Coding change: c.3586G>A on transcript NM_000179.3 (MANE Select); coding-DNA position 3586, G replaced by A.
Protein change: p.Glu1196Lys; replaces glutamic acid 1196 with lysine.
Molecular consequence: missense variant.
Genome position (GRCh38, 1-based): chr2:47,805,647, G>A. VCF-style: chr2-47805647-G-A. GRCh37 (hg19) VCF-style: chr2-48032786-G-A.
Other names: c.3586G>A (NM_000179.2); c.3196G>A, p.Glu1066Lys (NM_001281492.2); c.2680G>A, p.Glu894Lys (NM_001281493.2, NM_001281494.2); short protein forms E1066K, E1196K, E894K.
Identifiers: ClinVar variation 1063009 (VCV001063009.10), dbSNP rs75095286, ClinGen allele CA46717430.

ClinVar aggregate classification (germline): Uncertain significance. Review status: criteria provided, multiple submitters, no conflicts (2 of 4 stars). 2 submissions from 2 submitters: Uncertain significance (2). Last evaluated 2024-12-22.

Conditions:
Hereditary cancer-predisposing syndrome. Also called: Hereditary Cancer Syndrome; Hereditary neoplastic syndrome; Neoplastic Syndromes, Hereditary; Tumor predisposition. Identifiers: Orphanet 140162, MedGen C0027672, MeSH D009386, MONDO:0015356.
Hereditary nonpolyposis colorectal neoplasms. Identifiers: MedGen C0009405, MeSH D003123.

gnomAD v4.1: 1 of 1,611,800 alleles (0.000062%); highest among the groups gnomAD compares: Non-Finnish European, 0.000085%; no homozygotes.

Submissions (2):

Ambry Genetics
Classification: Uncertain significance for Hereditary cancer-predisposing syndrome. Last evaluated: 2024-12-22. Review status: criteria provided, single submitter. Criteria: Ambry Variant Classification Scheme 2023. Collection method: clinical testing. Allele origin: germline.
Comment: The p.E1196K variant (also known as c.3586G>A), located in coding exon 7 of the MSH6 gene, results from a G to A substitution at nucleotide position 3586. The glutamic acid at codon 1196 is replaced by lysine, an amino acid with similar properties. This amino acid position is conserved. In addition, this alteration is predicted to be deleterious by in silico analysis. Based on the available evidence, the clinical significance of this variant remains unclear.

Labcorp Genetics (formerly Invitae), Labcorp
Classification: Uncertain significance for Hereditary nonpolyposis colorectal neoplasms. Last evaluated: 2022-08-22. Review status: criteria provided, single submitter. Criteria: Invitae Variant Classification Sherloc (09022015). Collection method: clinical testing. Allele origin: germline.
Comment: This sequence change replaces glutamic acid, which is acidic and polar, with lysine, which is basic and polar, at codon 1196 of the MSH6 protein (p.Glu1196Lys). This variant is not present in population databases (gnomAD no frequency). In summary, the available evidence is currently insufficient to determine the role of this variant in disease. Therefore, it has been classified as a Variant of Uncertain Significance. Advanced modeling of protein sequence and biophysical properties (such as structural, functional, and spatial information, amino acid conservation, physicochemical variation, residue mobility, and thermodynamic stability) performed at Invitae indicates that this missense variant is expected to disrupt MSH6 protein function. ClinVar contains an entry for this variant (Variation ID: 1063009). This variant has not been reported in the literature in individuals affected with MSH6-related conditions.